The following is an entry in ClinVar:

NM_182961.4(SYNE1):c.25552C>T (p.Arg8518Trp)

Gene: SYNE1 (spectrin repeat containing nuclear envelope protein 1; minus strand). Cytogenetic location: 6q25.2.
Variant type: single nucleotide variant.
Coding change: c.25552C>T on transcript NM_182961.4 (MANE Select); coding-DNA position 25552, C replaced by T.
Protein change: p.Arg8518Trp; replaces arginine 8518 with tryptophan.
Molecular consequence: missense variant.
Genome position (GRCh38, 1-based): chr6:152,136,725, G>A on the plus strand (C>T on the coding strand, the complement: SYNE1 is on the minus strand). VCF-style: chr6-152136725-G-A. GRCh37 (hg19) VCF-style: chr6-152457860-G-A.
Other names: c.2158C>T, p.Arg720Trp (NM_001347701.2); c.2086C>T, p.Arg696Trp (NM_001347702.2); c.25408C>T, p.Arg8470Trp (NM_033071.5); short protein forms R8470W, R8518W, R720W, R696W.
Identifiers: ClinVar variation 289116 (VCV000289116.14), dbSNP rs375616724, ClinGen allele CA4052801.
Genomic context (GRCh38, chr6:152,136,725, plus strand): 5'-GCAGAGAGCACACTCGGTCCCAGCGCCCATTCATCTGCGACAAGCGATCCTGCAGGTCCC[G>A]GCTCTCCTTGCTGTCAGCCTGGGTGAACTCAGGGCTGCAGAGATTGATGGAGAGGATGAT-3'
Protein context (NP_892006.3, residues 8508-8528): EFTQADSKES[Arg8518Trp]DLQDRLSQMN

ClinVar aggregate classification (germline): Uncertain significance. Review status: criteria provided, multiple submitters, no conflicts (2 of 4 stars). 3 submissions from 3 submitters: Uncertain significance (3). Last evaluated 2021-08-26.

Conditions:
Autosomal recessive ataxia, Beauce type. Also called: Spinocerebellar ataxia, autosomal recessive 8; ATAXIA, RECESSIVE, OF BEAUCE; SYNE1 Deficiency; SYNE1-Related Autosomal Recessive Cerebellar Ataxia. Identifiers: Orphanet 88644, MedGen C1853116, MONDO:0012549, OMIM 610743.
Emery-Dreifuss muscular dystrophy 4, autosomal dominant (EDMD4). Also called: EMERY-DREIFUSS MUSCULAR DYSTROPHY 4 WITH VARIABLE FEATURES. Identifiers: Orphanet 261, MedGen C2751807, MONDO:0013071, OMIM 612998.

Allele frequency attached by ClinVar (database versions not stated): ExAC 0.00001; gnomAD 0.00001; gnomAD exomes 0.00004; TOPMed 0.00005; ESP Exome Variant Server 0.00008.
gnomAD v4.1: 118 of 1,614,104 alleles (0.0073%); highest among the groups gnomAD compares: Non-Finnish European, 0.0098%; no homozygotes.

Submissions (3):

Labcorp Genetics (formerly Invitae), Labcorp
Classification: Uncertain significance for Emery-Dreifuss muscular dystrophy 4, autosomal dominant; Autosomal recessive ataxia, Beauce type. Last evaluated: 2021-08-26. Review status: criteria provided, single submitter. Criteria: Invitae Variant Classification Sherloc (09022015). Collection method: clinical testing. Allele origin: germline.
Comment: This sequence change replaces arginine with tryptophan at codon 8470 of the SYNE1 protein (p.Arg8470Trp). The arginine residue is weakly conserved and there is a moderate physicochemical difference between arginine and tryptophan. This variant is present in population databases (rs375616724, ExAC 0.001%). This variant has not been reported in the literature in individuals affected with SYNE1-related conditions. ClinVar contains an entry for this variant (Variation ID: 289116). Algorithms developed to predict the effect of missense changes on protein structure and function are either unavailable or do not agree on the potential impact of this missense change (SIFT: "Deleterious"; PolyPhen-2: "Benign"; Align-GVGD: "Class C0"). In summary, the available evidence is currently insufficient to determine the role of this variant in disease. Therefore, it has been classified as a Variant of Uncertain Significance.

Revvity Omics, Revvity
Classification: Uncertain significance. Last evaluated: 2019-09-06. Review status: criteria provided, single submitter. Criteria: ACMG Guidelines, 2015. Collection method: clinical testing. Allele origin: germline.

Eurofins Ntd Llc (ga)
Classification: Uncertain significance. Last evaluated: 2016-07-26. Review status: criteria provided, single submitter. Criteria: EGL Classification Definitions 2015. Collection method: clinical testing. Allele origin: germline. Observed: 1 variant allele, 1 heterozygote.